The following is an entry in ClinVar:

NM_001199107.2(TBC1D24):c.76_77delinsTT (p.Glu26Leu)

Gene: TBC1D24 (TBC1 domain family member 24; plus strand). Cytogenetic location: 16p13.3.
Variant type: Indel.
Coding change: c.76_77delinsTT on transcript NM_001199107.2 (MANE Select); coding-DNA positions 76 to 77, GA replaced by TT.
Protein change: p.Glu26Leu; replaces glutamic acid 26 with leucine.
Molecular consequence: missense variant.
Genome position (GRCh38, 1-based): chr16:2,496,224-2,496,225, GA replaced by TT. VCF-style: chr16-2496224-GA-TT. GRCh37 (hg19) VCF-style: chr16-2546225-GA-TT.
Other names: c.76_77delinsTT, p.Glu26Leu (NM_020705.3); short protein forms E26L.
Identifiers: ClinVar variation 1026209 (VCV001026209.9), dbSNP rs2065735848, ClinGen allele CA2202259687.
Genomic context (GRCh38, chr16:2,496,224, plus strand): 5'-TACAACTGCTTCGTGGACAAAGACAAGATGGACGCTGCCATCCAGGACCTGGGGCCCAAG[GA>TT]GCTGAGCTGCACTGAACTGCAGGAACTGAAGCAGCTGGCGCGCCAGGGCTACTGGGCCCA-3'
Protein context (NP_001186036.1, residues 16-36): DAAIQDLGPK[Glu26Leu]LSCTELQELK

ClinVar aggregate classification (germline): Uncertain significance (1 of 4 stars; one submission).

Conditions:
Developmental and epileptic encephalopathy, 1 (DEE1). Also called: X-linked infantile spasms; West's syndrome; Tonic spasms with clustering, arrest of psychomotor development and hypsarrhythmia on EEG; X-Linked Infantile Spasm Syndrome; OHTAHARA SYNDROME, X-LINKED; Epileptic encephalopathy, early infantile, 1. Identifiers: MedGen C3463992, MONDO:0010632, OMIM 308350. Disease mechanism: loss of function.
Autosomal dominant nonsyndromic hearing loss 65. Also called: Deafness, autosomal dominant 65; TBC1D24-Related Autosomal Dominant Nonsyndromic Hearing Loss (DFNA). Identifiers: Orphanet 90635, MedGen C3892048, MONDO:0014470, OMIM 616044.

Submission:

Labcorp Genetics (formerly Invitae), Labcorp
Classification: Uncertain significance for Developmental and epileptic encephalopathy, 1; Autosomal dominant nonsyndromic hearing loss 65. Last evaluated: 2022-10-31. Review status: criteria provided, single submitter. Criteria: Invitae Variant Classification Sherloc (09022015). Collection method: clinical testing. Allele origin: germline.
Comment: This sequence change replaces glutamic acid, which is acidic and polar, with leucine, which is neutral and non-polar, at codon 26 of the TBC1D24 protein (p.Glu26Leu). In summary, the available evidence is currently insufficient to determine the role of this variant in disease. Therefore, it has been classified as a Variant of Uncertain Significance. Algorithms developed to predict the effect of missense changes on protein structure and function are either unavailable or do not agree on the potential impact of this missense change (SIFT: "Not Available"; PolyPhen-2: "Benign"; Align-GVGD: "Not Available"). ClinVar contains an entry for this variant (Variation ID: 1026209). This variant has not been reported in the literature in individuals affected with TBC1D24-related conditions. This variant is present in population databases (no rsID available, gnomAD 0.1%).